The following is an entry in ClinVar:

ClinVar aggregate classification (germline): Likely benign (1 of 4 stars; one submission).

gnomAD v4.1: 61 of 1,613,868 alleles (0.0038%); highest among the groups gnomAD compares: Non-Finnish European, 0.005%; no homozygotes.

Submission:

CeGaT Center for Human Genetics Tuebingen
Classification: Likely benign. Last evaluated: 2026-01-01. Review status: criteria provided, single submitter. Criteria: CeGaT Center For Human Genetics Tuebingen Variant Classification Criteria Version 2. Collection method: clinical testing. Allele origin: germline. Affected: yes. Observed: 2 variant alleles.
Comment: DERL3: BP4, BP7

NM_001002862.3(DERL3):c.555G>C (p.Leu185=)

Genes: DERL3 (derlin 3; minus strand), SMARCB1 (SWI/SNF related BAF chromatin remodeling complex subunit B1; plus strand). Cytogenetic location: 22q11.23.
Variant type: single nucleotide variant.
Coding change: c.555G>C on transcript NM_001002862.3 (MANE Select); coding-DNA position 555, G replaced by C.
Protein change: p.Leu185=; no amino-acid change (leucine 185 retained).
Molecular consequence: synonymous variant. On other transcripts: 3 prime UTR variant (4).
Genome position (GRCh38, 1-based): chr22:23,837,123, C>G on the plus strand (G>C on the coding strand, the complement: DERL3 is on the minus strand). VCF-style: chr22-23837123-C-G. GRCh37 (hg19) VCF-style: chr22-24179310-C-G.
Other names: c.*2943C>G (NM_001007468.3, NM_001317946.2, NM_001362877.2 and 1 more transcripts); c.555G>C, p.Leu185= (NM_001135751.2, NM_001363072.2, NM_198440.4).
Identifiers: ClinVar variation 3388032 (VCV003388032.14).